The following is an entry in ClinVar:

ClinVar aggregate classification (germline): Pathogenic (1 of 4 stars; one submission).

Conditions:
Bloom syndrome (BLM). Also called: Bloom-Torre-Machacek syndrome. Identifiers: Orphanet 125, MedGen C0005859, MONDO:0008876, OMIM 210900.

Submission:

Labcorp Genetics (formerly Invitae), Labcorp
Classification: Pathogenic for Bloom syndrome. Last evaluated: 2025-03-15. Review status: criteria provided, single submitter. Criteria: Invitae Variant Classification Sherloc (09022015). Collection method: clinical testing. Allele origin: germline.
Comment: This sequence change creates a premature translational stop signal (p.Cys940*) in the BLM gene. It is expected to result in an absent or disrupted protein product. Loss-of-function variants in BLM are known to be pathogenic (PMID: 17407155). This variant is not present in population databases (gnomAD no frequency). This variant has not been reported in the literature in individuals affected with BLM-related conditions. For these reasons, this variant has been classified as Pathogenic.

Literature cited by the submitters: PubMed 17407155.

NM_000057.4(BLM):c.2820T>A (p.Cys940Ter)

Gene: BLM (BLM RecQ like helicase; plus strand). Cytogenetic location: 15q26.1.
Variant type: single nucleotide variant.
Coding change: c.2820T>A on transcript NM_000057.4 (MANE Select); coding-DNA position 2820, T replaced by A.
Protein change: p.Cys940Ter; replaces cysteine 940 with a stop codon.
Molecular consequence: nonsense.
Genome position (GRCh38, 1-based): chr15:90,785,078, T>A. VCF-style: chr15-90785078-T-A. GRCh37 (hg19) VCF-style: chr15-91328308-T-A.
Other names: c.2820T>A, p.Cys940Ter (NM_001287246.2, NM_001287247.2); c.1695T>A, p.Cys565Ter (NM_001287248.2); short protein forms C565*, C940*.
Identifiers: ClinVar variation 4715125 (VCV004715125.1).
Genomic context (GRCh38, chr15:90,785,078, plus strand): 5'-TGGCCTCAGTGATTCTGCCAGAGATGAAGTGCAGCAGAAGTGGATTAATCAGGATGGCTG[T>A]CAGGTAACATTTTTAAAGATAAACAAATAATAGAAATAATCTTTTATAGCATATAACCAA-3'